The following is an entry in ClinVar:

ClinVar aggregate classification (germline): Likely benign. Review status: criteria provided, multiple submitters, no conflicts (2 of 4 stars). 2 submissions from 2 submitters: Likely benign (2). Last evaluated 2025-06-09.

Conditions:
Hereditary cancer-predisposing syndrome. Also called: Neoplastic Syndromes, Hereditary; Hereditary Cancer Syndrome; Tumor predisposition; Hereditary neoplastic syndrome. Identifiers: Orphanet 140162, MedGen C0027672, MeSH D009386, MONDO:0015356.
Cardiovascular phenotype. Identifiers: MedGen CN230736.
Neurofibromatosis, type 1 (NF1). Also called: Neurofibromatosis, type I; NEUROFIBROMATOSIS, TYPE I, SOMATIC; VON RECKLINGHAUSEN DISEASE; Peripheral type neurofibromatosis. Identifiers: Orphanet 636, MedGen C0027831, MONDO:0018975, OMIM 162200. Disease mechanism: loss of function.
Neurofibromatosis-Noonan syndrome (NFNS). Also called: NEUROFIBROMATOSIS WITH NOONAN PHENOTYPE. Identifiers: Orphanet 638, MedGen C2931482, MONDO:0011035, OMIM 601321. Disease mechanism: loss of function.
Café-au-lait macules with pulmonary stenosis (WTSN). Also called: PULMONIC STENOSIS WITH CAFE-AU-LAIT SPOTS. Identifiers: MedGen C0553586, MONDO:0008672, OMIM 193520.

Submissions (2):

Ambry Genetics
Classification: Likely benign for Cardiovascular phenotype; Hereditary cancer-predisposing syndrome. Last evaluated: 2025-06-09. Review status: criteria provided, single submitter. Criteria: Ambry Variant Classification Scheme 2023. Collection method: clinical testing. Allele origin: germline.

Labcorp Genetics (formerly Invitae), Labcorp
Classification: Likely benign for Neurofibromatosis, type 1. Last evaluated: 2023-12-22. Review status: criteria provided, single submitter. Criteria: Invitae Variant Classification Sherloc (09022015). Collection method: clinical testing. Allele origin: germline.

NM_001042492.3(NF1):c.555G>A (p.Val185=)

Gene: NF1 (neurofibromin 1; plus strand). Cytogenetic location: 17q11.2.
Variant type: single nucleotide variant.
Coding change: c.555G>A on transcript NM_001042492.3 (MANE Select); coding-DNA position 555, G replaced by A.
Protein change: p.Val185=; no amino-acid change (valine 185 retained).
Molecular consequence: synonymous variant.
Genome position (GRCh38, 1-based): chr17:31,169,966, G>A. VCF-style: chr17-31169966-G-A. GRCh37 (hg19) VCF-style: chr17-29496984-G-A.
Other names: c.555G>A, p.Val185= (NM_000267.4, NM_001128147.3).
Identifiers: ClinVar variation 1433625 (VCV001433625.10), dbSNP rs2143707858, ClinGen allele CA499201547.